The following is an entry in ClinVar:

NM_080425.4(GNAS):c.1713C>G (p.Ser571Arg)

Gene: GNAS (GNAS complex locus; plus strand). Cytogenetic location: 20q13.32.
Variant type: single nucleotide variant.
Coding change: c.1713C>G on transcript NM_080425.4 (MANE Plus Clinical); coding-DNA position 1713, C replaced by G.
Protein change: p.Ser571Arg; replaces serine 571 with arginine.
Molecular consequence: missense variant. On other transcripts: intron variant (3).
Genome position (GRCh38, 1-based): chr20:58,854,978, C>G. VCF-style: chr20-58854978-C-G. GRCh37 (hg19) VCF-style: chr20-57430033-C-G.
Other names: c.1526C>G, p.Ala509Gly (NM_001077490.3, NM_001309883.1); c.1713C>G, p.Ser571Arg (NM_001410913.1); c.*42+14092C>G (NM_016592.5); c.43+14092C>G (NM_001410912.1); c.-39+13103C>G (NM_001309861.2); short protein forms S571R, A509G.
Identifiers: ClinVar variation 4987434 (VCV004987434.1).

ClinVar aggregate classification (germline): Uncertain significance (1 of 4 stars; one submission).

Conditions:
GNAS-related disorder. Identifiers: MedGen CN380105.

gnomAD v4.1: 1 of 1,612,022 alleles (0.000062%); highest among the groups gnomAD compares: African/African-American, 0.0013%; no homozygotes.

Submission:

PreventionGenetics, part of Exact Sciences
Classification: Uncertain significance for GNAS-related condition. Last evaluated: 2026-06-15. Review status: criteria provided, single submitter. Criteria: ACMG Guidelines, 2015. Collection method: clinical testing. Allele origin: germline.
Comment: The GNAS c.1713C>G variant is predicted to result in the amino acid substitution p.Ser571Arg. To our knowledge, this variant has not been reported in the literature or in a large population database (gnomAD), indicating this variant is rare. At this time, the clinical significance of this variant is uncertain due to the absence of conclusive functional and genetic evidence.